The following is an entry in ClinVar:

ClinVar aggregate classification (germline): Uncertain significance. Review status: criteria provided, multiple submitters, no conflicts (2 of 4 stars). 2 submissions from 2 submitters: Uncertain significance (2). Last evaluated 2025-12-29.

Conditions:
Inborn genetic diseases. Identifiers: MedGen C0950123, MeSH D030342.
Immunodeficiency 14 (IMD14A). Also called: Activated PI3K Delta Syndrome Type 1 (APDS1); p110-DELTA-ACTIVATING MUTATION CAUSING SENESCENT T CELLS, LYMPHADENOPATHY, AND IMMUNODEFICIENCY; IMMUNODEFICIENCY 14A WITH LYMPHOPROLIFERATION, AUTOSOMAL DOMINANT; ACTIVATED PI3K-DELTA SYNDROME 1. Identifiers: Orphanet 397596, Orphanet 693661, MedGen C5907821, MONDO:0014222, OMIM 615513.

Allele frequency attached by ClinVar (database versions not stated): ESP Exome Variant Server 0.00008; gnomAD exomes below 0.00001; TOPMed 0.00002.
gnomAD v4.1: 3 of 1,612,624 alleles (0.00019%); highest among the groups gnomAD compares: Non-Finnish European, 0.00025%; no homozygotes.

Submissions (2):

Labcorp Genetics (formerly Invitae), Labcorp
Classification: Uncertain significance for Activated PI3K-delta syndrome. Last evaluated: 2025-12-29. Review status: criteria provided, single submitter. Criteria: Invitae Variant Classification Sherloc (09022015). Collection method: clinical testing. Allele origin: germline.
Comment: This sequence change replaces alanine, which is neutral and non-polar, with valine, which is neutral and non-polar, at codon 175 of the PIK3CD protein (p.Ala175Val). This variant is present in population databases (rs377020532, gnomAD 0.0009%). This variant has not been reported in the literature in individuals affected with PIK3CD-related conditions. ClinVar contains an entry for this variant (Variation ID: 1974611). Invitae Evidence Modeling of protein sequence and biophysical properties (such as structural, functional, and spatial information, amino acid conservation, physicochemical variation, residue mobility, and thermodynamic stability) indicates that this missense variant is not expected to disrupt PIK3CD protein function with a negative predictive value of 80%. In summary, the available evidence is currently insufficient to determine the role of this variant in disease. Therefore, it has been classified as a Variant of Uncertain Significance.

Ambry Genetics
Classification: Uncertain significance for Inborn genetic diseases. Last evaluated: 2024-11-20. Review status: criteria provided, single submitter. Criteria: Ambry Variant Classification Scheme 2023. Collection method: clinical testing. Allele origin: germline.

NM_005026.5(PIK3CD):c.524C>T (p.Ala175Val)

Gene: PIK3CD (phosphatidylinositol-4,5-bisphosphate 3-kinase catalytic subunit delta; plus strand). Cytogenetic location: 1p36.22.
Variant type: single nucleotide variant.
Coding change: c.524C>T on transcript NM_005026.5 (MANE Select); coding-DNA position 524, C replaced by T.
Protein change: p.Ala175Val; replaces alanine 175 with valine.
Molecular consequence: missense variant.
Genome position (GRCh38, 1-based): chr1:9,716,002, C>T. VCF-style: chr1-9716002-C-T. GRCh37 (hg19) VCF-style: chr1-9776060-C-T.
Other names: c.524C>T, p.Ala175Val (NM_001350234.2, NM_001350235.1); short protein forms A175V.
Identifiers: ClinVar variation 1974611 (VCV001974611.6), dbSNP rs377020532, ClinGen allele CA17774852.